The following is an entry in ClinVar:

NM_004525.3(LRP2):c.2950T>G (p.Cys984Gly)

Gene: LRP2 (LDL receptor related protein 2; minus strand). Cytogenetic location: 2q31.1.
Variant type: single nucleotide variant.
Coding change: c.2950T>G on transcript NM_004525.3 (MANE Select); coding-DNA position 2950, T replaced by G.
Protein change: p.Cys984Gly; replaces cysteine 984 with glycine.
Molecular consequence: missense variant.
Genome position (GRCh38, 1-based): chr2:169,246,945, A>C on the plus strand (T>G on the coding strand, the complement: LRP2 is on the minus strand). VCF-style: chr2-169246945-A-C. GRCh37 (hg19) VCF-style: chr2-170103455-A-C.
Other names: short protein forms C984G.
Identifiers: ClinVar variation 1717531 (VCV001717531.6), dbSNP rs2528398652, ClinGen allele CA349153637.

ClinVar aggregate classification (germline): Uncertain significance (1 of 4 stars; one submission).

Submission:

Labcorp Genetics (formerly Invitae), Labcorp
Classification: Uncertain significance. Last evaluated: 2022-10-31. Review status: criteria provided, single submitter. Criteria: Invitae Variant Classification Sherloc (09022015). Collection method: clinical testing. Allele origin: germline.
Comment: This variant is not present in population databases (gnomAD no frequency). This variant has not been reported in the literature in individuals affected with LRP2-related conditions. Advanced modeling of protein sequence and biophysical properties (such as structural, functional, and spatial information, amino acid conservation, physicochemical variation, residue mobility, and thermodynamic stability) performed at Invitae indicates that this missense variant is expected to disrupt LRP2 protein function. In summary, the available evidence is currently insufficient to determine the role of this variant in disease. Therefore, it has been classified as a Variant of Uncertain Significance. This sequence change replaces cysteine, which is neutral and slightly polar, with glycine, which is neutral and non-polar, at codon 984 of the LRP2 protein (p.Cys984Gly).